The following is an entry in ClinVar:

NM_020812.4(DOCK6):c.5235+1_5235+7del

Genes: DOCK6 (dedicator of cytokinesis 6; minus strand), DOCK6-AS1 (DOCK6 antisense RNA 1; plus strand). Cytogenetic location: 19p13.2.
Variant type: Deletion.
Coding change: c.5235+1_5235+7del on transcript NM_020812.4 (MANE Select); the canonical splice donor site of the intron after coding-DNA position 5235 through 7 bases into the intron after coding-DNA position 5235, 7 bases deleted (GTGAGTC; older notation c.5235+1_5235+7delGTGAGTC).
Molecular consequence: splice donor variant.
Genome position (GRCh38, 1-based): chr19:11,204,074-11,204,080, GACTCAC deleted on the plus strand (GTGAGTC on the coding strand, the reverse complement: DOCK6 is on the minus strand). VCF-style (leftmost placement, unchanged base first): chr19-11204073-TGACTCAC-T. GRCh37 (hg19) VCF-style: chr19-11314749-TGACTCAC-T.
Other names: c.5340+1_5340+7del (NM_001367830.1).
Identifiers: ClinVar variation 2898437 (VCV002898437.3), dbSNP rs1428887459, ClinGen allele CA631767440.

ClinVar aggregate classification (germline): Likely pathogenic (1 of 4 stars; one submission).

Allele frequency attached by ClinVar (database versions not stated): gnomAD 0.00001; gnomAD exomes 0.00001; TOPMed 0.00001.

Submission:

Labcorp Genetics (formerly Invitae), Labcorp
Classification: Likely pathogenic. Last evaluated: 2023-10-29. Review status: criteria provided, single submitter. Criteria: Invitae Variant Classification Sherloc (09022015). Collection method: clinical testing. Allele origin: germline.
Comment: This sequence change affects a splice site in intron 41 of the DOCK6 gene. It is expected to disrupt RNA splicing. Variants that disrupt the donor or acceptor splice site typically lead to a loss of protein function (PMID: 16199547), and loss-of-function variants in DOCK6 are known to be pathogenic (PMID: 21820096, 25824905). This variant is present in population databases (no rsID available, gnomAD 0.002%). This variant has not been reported in the literature in individuals affected with DOCK6-related conditions. Algorithms developed to predict the effect of sequence changes on RNA splicing suggest that this variant may disrupt the consensus splice site. In summary, the currently available evidence indicates that the variant is pathogenic, but additional data are needed to prove that conclusively. Therefore, this variant has been classified as Likely Pathogenic.

Literature cited by the submitters: PubMed 16199547; PubMed 21820096; PubMed 25824905.